The following is an entry in ClinVar:

NM_004525.3(LRP2):c.2133C>A (p.Leu711=)

Gene: LRP2 (LDL receptor related protein 2; minus strand). Cytogenetic location: 2q31.1.
Variant type: single nucleotide variant.
Coding change: c.2133C>A on transcript NM_004525.3 (MANE Select); coding-DNA position 2133, C replaced by A.
Protein change: p.Leu711=; no amino-acid change (leucine 711 retained).
Molecular consequence: synonymous variant.
Genome position (GRCh38, 1-based): chr2:169,271,091, G>T on the plus strand (C>A on the coding strand, the complement: LRP2 is on the minus strand). VCF-style: chr2-169271091-G-T. GRCh37 (hg19) VCF-style: chr2-170127601-G-T.
Identifiers: ClinVar variation 2651528 (VCV002651528.27), dbSNP rs1333983104, ClinGen allele CA429922019.

ClinVar aggregate classification (germline): Likely benign. Review status: criteria provided, multiple submitters, no conflicts (2 of 4 stars). 2 submissions from 2 submitters: Likely benign (2). Last evaluated 2023-06-23.

Allele frequency attached by ClinVar (database versions not stated): TOPMed below 0.00001.
gnomAD v4.1: 1 of 1,612,648 alleles (0.000062%); highest among the groups gnomAD compares: Middle Eastern, 0.017%; no homozygotes.

Submissions (2):

Labcorp Genetics (formerly Invitae), Labcorp
Classification: Likely benign. Last evaluated: 2023-06-23. Review status: criteria provided, single submitter. Criteria: Invitae Variant Classification Sherloc (09022015). Collection method: clinical testing. Allele origin: germline.

CeGaT Center for Human Genetics Tuebingen
Classification: Likely benign. Last evaluated: 2023-01-01. Review status: criteria provided, single submitter. Criteria: CeGaT Center For Human Genetics Tuebingen Variant Classification Criteria Version 2. Collection method: clinical testing. Allele origin: germline. Affected: yes. Observed: 1 variant allele.
Comment: LRP2: PM2:Supporting, BP4, BP7